The following is an entry in ClinVar:

NM_024079.5(ALG8):c.898+3A>G

Gene: ALG8 (ALG8 alpha-1,3-glucosyltransferase; minus strand). Cytogenetic location: 11q14.1.
Variant type: single nucleotide variant.
Coding change: c.898+3A>G on transcript NM_024079.5 (MANE Select); 3 bases into the intron after coding-DNA position 898, A replaced by G.
Molecular consequence: intron variant.
Genome position (GRCh38, 1-based): chr11:78,112,647, T>C on the plus strand (A>G on the coding strand, the complement: ALG8 is on the minus strand). VCF-style: chr11-78112647-T-C. GRCh37 (hg19) VCF-style: chr11-77823693-T-C.
Other names: c.634+3A>G (NM_001425239.1, NM_001425234.1); c.697+3A>G (NM_001425231.1); c.745+3A>G (NM_001425235.1, NM_001425226.1, NM_001425236.1); c.883+3A>G (NM_001425220.1); c.382+3A>G (NM_001425241.1); c.547-5701A>G (NM_001425240.1); c.343+3A>G (NM_001425242.1); c.794+3A>G (NM_001425238.1); and 5 more.
Identifiers: ClinVar variation 3669556 (VCV003669556.2).

ClinVar aggregate classification (germline): Uncertain significance (1 of 4 stars; one submission).

Conditions:
ALG8 congenital disorder of glycosylation. Also called: CONGENITAL DISORDER OF GLYCOSYLATION, TYPE Ih; CDG Ih; ALG8-CDG. Identifiers: Orphanet 79325, MedGen C2931002, MONDO:0011969, OMIM 608104.

gnomAD v4.1: 4 of 1,613,352 alleles (0.00025%); highest among the groups gnomAD compares: African/African-American, 0.0013%; no homozygotes.

Submission:

Labcorp Genetics (formerly Invitae), Labcorp
Classification: Uncertain significance for ALG8 congenital disorder of glycosylation. Last evaluated: 2025-01-27. Review status: criteria provided, single submitter. Criteria: Invitae Variant Classification Sherloc (09022015). Collection method: clinical testing. Allele origin: germline.
Comment: This sequence change falls in intron 8 of the ALG8 gene. It does not directly change the encoded amino acid sequence of the ALG8 protein. It affects a nucleotide within the consensus splice site. The frequency data for this variant in the population databases is considered unreliable, as metrics indicate poor data quality at this position in the gnomAD database. This variant has not been reported in the literature in individuals affected with ALG8-related conditions. Variants that disrupt the consensus splice site are a relatively common cause of aberrant splicing (PMID: 17576681, 9536098). Algorithms developed to predict the effect of sequence changes on RNA splicing suggest that this variant may disrupt the consensus splice site. In summary, the available evidence is currently insufficient to determine the role of this variant in disease. Therefore, it has been classified as a Variant of Uncertain Significance.

Literature cited by the submitters: PubMed 17576681; PubMed 9536098.